The following is an entry in ClinVar:

NM_001142800.2(EYS):c.1218G>T (p.Glu406Asp)

Gene: EYS (EGF-like photoreceptor maintenance factor; minus strand). Cytogenetic location: 6q12.
Variant type: single nucleotide variant.
Coding change: c.1218G>T on transcript NM_001142800.2 (MANE Select); coding-DNA position 1218, G replaced by T.
Protein change: p.Glu406Asp; replaces glutamic acid 406 with aspartic acid.
Molecular consequence: missense variant.
Genome position (GRCh38, 1-based): chr6:65,384,467, C>A on the plus strand (G>T on the coding strand, the complement: EYS is on the minus strand). VCF-style: chr6-65384467-C-A. GRCh37 (hg19) VCF-style: chr6-66094360-C-A.
Other names: c.1218G>T, p.Glu406Asp (NM_001142801.2, NM_001292009.2, NM_198283.2); short protein forms E406D.
Identifiers: ClinVar variation 357742 (VCV000357742.13), dbSNP rs201331309, ClinGen allele CA3877818.

ClinVar aggregate classification (germline): Uncertain significance. Review status: criteria provided, multiple submitters, no conflicts (2 of 4 stars). 7 submissions from 7 submitters: Uncertain significance (6). 1 of the submissions does not count toward it. Last evaluated 2025-01-06.

Conditions:
Retinitis pigmentosa 25 (RP25). Identifiers: Orphanet 791, MedGen C1864446, MONDO:0011272, OMIM 602772.
Retinitis pigmentosa (RP). Identifiers: Orphanet 791, MedGen C0035334, MeSH D012174, MONDO:0019200, OMIM 268000. Inheritance: Autosomal dominant, autosomal recessive and X linked inheritance.
Inborn genetic diseases. Identifiers: MedGen C0950123, MeSH D030342.

Allele frequency attached by ClinVar (database versions not stated): gnomAD 0.00007; gnomAD exomes 0.00007 and 0.00014; TOPMed 0.00007; ExAC 0.00012.
gnomAD v4.1: 114 of 1,607,092 alleles (0.0071%); highest among the groups gnomAD compares: Admixed American, 0.0067%; no homozygotes.

Submissions (7):

Labcorp Genetics (formerly Invitae), Labcorp
Classification: Uncertain significance. Last evaluated: 2025-01-06. Review status: criteria provided, single submitter. Criteria: Invitae Variant Classification Sherloc (09022015). Collection method: clinical testing. Allele origin: germline.
Comment: This sequence change replaces glutamic acid, which is acidic and polar, with aspartic acid, which is acidic and polar, at codon 406 of the EYS protein (p.Glu406Asp). This variant is present in population databases (rs201331309, gnomAD 0.2%). This variant has not been reported in the literature in individuals affected with EYS-related conditions. ClinVar contains an entry for this variant (Variation ID: 357742). Invitae Evidence Modeling of protein sequence and biophysical properties (such as structural, functional, and spatial information, amino acid conservation, physicochemical variation, residue mobility, and thermodynamic stability) indicates that this missense variant is not expected to disrupt EYS protein function with a negative predictive value of 80%. In summary, the available evidence is currently insufficient to determine the role of this variant in disease. Therefore, it has been classified as a Variant of Uncertain Significance.

Ambry Genetics
Classification: Uncertain significance for Inborn genetic diseases. Last evaluated: 2023-11-06. Review status: criteria provided, single submitter. Criteria: Ambry Variant Classification Scheme 2023. Collection method: clinical testing. Allele origin: germline.

Blueprint Genetics
Classification: Uncertain significance. Last evaluated: 2023-06-30. Review status: criteria provided, single submitter. Criteria: ACMG Guidelines, 2015. Collection method: clinical testing. Allele origin: germline.

Department of Pathology and Laboratory Medicine, Sinai Health System
Classification: Uncertain significance for Retinitis pigmentosa 25. Last evaluated: 2022-12-22. Review status: criteria provided, single submitter. Criteria: ACMG Guidelines, 2015. Collection method: research. Allele origin: germline.

Fulgent Genetics
Classification: Uncertain significance for Retinitis pigmentosa 25. Last evaluated: 2021-11-17. Review status: criteria provided, single submitter. Criteria: ACMG Guidelines, 2015. Collection method: clinical testing. Allele origin: unknown.

Illumina Laboratory Services, Illumina
Classification: Uncertain significance for Retinitis pigmentosa. Last evaluated: 2018-01-13. Review status: criteria provided, single submitter. Criteria: ICSL Variant Classification Criteria 13 December 2019. Collection method: clinical testing. Allele origin: germline.

Natera, Inc.
Classification: Uncertain significance for Retinitis pigmentosa type 25. Last evaluated: 2020-12-28. Review status: no assertion criteria provided. Collection method: clinical testing. Allele origin: germline. Not counted in ClinVar's aggregate classification.